The following is an entry in ClinVar:

ClinVar aggregate classification (germline): Uncertain significance (1 of 4 stars; one submission).

Conditions:
Rubinstein-Taybi syndrome (RSTS). Identifiers: Orphanet 783, MedGen C0035934, MONDO:0019188.

gnomAD v4.1: 1 of 1,613,560 alleles (0.000062%); highest among the groups gnomAD compares: Non-Finnish European, 0.000085%; no homozygotes.

Submission:

Labcorp Genetics (formerly Invitae), Labcorp
Classification: Uncertain significance for Rubinstein-Taybi syndrome. Last evaluated: 2024-10-22. Review status: criteria provided, single submitter. Criteria: Invitae Variant Classification Sherloc (09022015). Collection method: clinical testing. Allele origin: germline.
Comment: This sequence change replaces alanine, which is neutral and non-polar, with threonine, which is neutral and polar, at codon 1225 of the CREBBP protein (p.Ala1225Thr). This variant is not present in population databases (gnomAD no frequency). This variant has not been reported in the literature in individuals affected with CREBBP-related conditions. ClinVar contains an entry for this variant (Variation ID: 967344). Invitae Evidence Modeling of protein sequence and biophysical properties (such as structural, functional, and spatial information, amino acid conservation, physicochemical variation, residue mobility, and thermodynamic stability) indicates that this missense variant is not expected to disrupt CREBBP protein function with a negative predictive value of 95%. In summary, the available evidence is currently insufficient to determine the role of this variant in disease. Therefore, it has been classified as a Variant of Uncertain Significance.

NM_004380.3(CREBBP):c.3673G>A (p.Ala1225Thr)

Gene: CREBBP (CREB binding lysine acetyltransferase; minus strand). Cytogenetic location: 16p13.3.
Variant type: single nucleotide variant.
Coding change: c.3673G>A on transcript NM_004380.3 (MANE Select); coding-DNA position 3673, G replaced by A.
Protein change: p.Ala1225Thr; replaces alanine 1225 with threonine.
Molecular consequence: missense variant.
Genome position (GRCh38, 1-based): chr16:3,757,313, C>T on the plus strand (G>A on the coding strand, the complement: CREBBP is on the minus strand). VCF-style: chr16-3757313-C-T. GRCh37 (hg19) VCF-style: chr16-3807314-C-T.
Other names: c.3559G>A, p.Ala1187Thr (NM_001079846.1); short protein forms A1225T, A1187T.
Identifiers: ClinVar variation 967344 (VCV000967344.9), dbSNP rs2052609627, ClinGen allele CA394568378.